The following is an entry in ClinVar:

ClinVar aggregate classification (germline): Likely pathogenic (1 of 4 stars; one submission).

Conditions:
Osteogenesis imperfecta, perinatal lethal (OI2). Also called: Osteogenesis imperfecta, dominant perinatal lethal; OSTEOGENESIS IMPERFECTA, TYPE II; Osteogenesis imperfecta type 2; OSTEOGENESIS IMPERFECTA CONGENITA; OI, TYPE II; VROLIK TYPE OF OSTEOGENESIS IMPERFECTA. Identifiers: Orphanet 216804, MedGen C0268358, MONDO:0008147, OMIM 166210.

Submission:

Victorian Clinical Genetics Services, Murdoch Childrens Research Institute
Classification: Likely pathogenic for Osteogenesis imperfecta, perinatal lethal. Last evaluated: 2022-03-31. Review status: criteria provided, single submitter. Criteria: ACMG Guidelines, 2015. Collection method: clinical testing. Allele origin: germline. Inheritance: Autosomal dominant inheritance. Affected: yes.
Comment: Based on the classification scheme VCGS_Germline_v1.3.4, this variant is classified as Likely pathogenic. Following criteria are met: 0103 - Dominant negative and loss of function are known mechanisms of disease in this gene. Heterozygous missense variants causing severe and lethal forms of osteogenesis imperfecta (MIM#s166210, 259420 & 166220) are due to a dominant negative mechanism, whereas biallelic loss of function variants result in the autosomal recessive form of Ehlers-Danlos syndrome (MIM#225320). The exact mechanism of disease for the autosomal dominant form of Ehlers-Danlos syndrome (MIM#2617821) remains unclear, however variants have been shown to result in the whole or partial skipping of exon 6 (PMIDs: 12362985, 31218159). (I) 0108 - This gene is associated with both recessive and dominant disease. Most phenotypes associated with this gene are autosomal dominant, however the cardiac valvular type of Ehlers-Danlos syndrome (MIM#225320) is recessively inherited (OMIM). (I) 0115 - Variants in this gene are known to have variable expressivity (PMID: 20301472). (I) 0200 - Variant is predicted to result in a missense amino acid change from glycine to serine. (I) 0251 - This variant is heterozygous. (I) 0301 - Variant is absent from gnomAD (both v2 and v3). (SP) 0501 - Missense variant consistently predicted to be damaging by multiple in silico tools or highly conserved with a major amino acid change. (SP) 0601 - Variant is located in the well-established functional collagen triple helix motif. The variant affects the glycine of a Gly-X-Y repeat (DECIPHER). (SP) 0704 - Another variant comparable to the one identified in this case has limited previous evidence for pathogenicity. p.(Gly1045Asp) has been classified as pathogenic once in LOVD. (SP) 0807 - This variant has no previous evidence of pathogenicity. (I) 0905 - No published segregation evidence has been identified for this variant. (I) 1007 - No published functional evidence has been identified for this variant. (I) 1208 - Inheritance information for this variant is not currently available in this individual. (I) Legend: (SP) - Supporting pathogenic, (I) - Information, (SB) - Supporting benign

Literature cited by the submitters: PubMed 12362985; PubMed 20301472; PubMed 31218159.

NM_000089.4(COL1A2):c.3133G>A (p.Gly1045Ser)

Gene: COL1A2 (collagen type I alpha 2 chain; plus strand). Cytogenetic location: 7q21.3.
Variant type: single nucleotide variant.
Coding change: c.3133G>A on transcript NM_000089.4 (MANE Select); coding-DNA position 3133, G replaced by A.
Protein change: p.Gly1045Ser; replaces glycine 1045 with serine.
Molecular consequence: missense variant.
Genome position (GRCh38, 1-based): chr7:94,427,035, G>A. VCF-style: chr7-94427035-G-A. GRCh37 (hg19) VCF-style: chr7-94056347-G-A.
Other names: short protein forms G1045S.
Identifiers: ClinVar variation 3377392 (VCV003377392.1).
Genomic context (GRCh38, chr7:94,427,035, plus strand): 5'-TGAAAGTGTGATTTTCCTCTTCTGTCTTTAAAGGGTCACCATGGTGATCAAGGTGCTCCT[G>A]GCTCCGTGGGTCCTGCTGGTCCTAGGGTAGGTGGACTCAAGAGAAGACAGTTCATCTCTG-3'
Protein context (NP_000080.2, residues 1035-1055): AGHHGDQGAP[Gly1045Ser]SVGPAGPRGP